The following is an entry in ClinVar:

NM_001042492.3(NF1):c.7905T>A (p.Asp2635Glu)

Gene: NF1 (neurofibromin 1; plus strand). Cytogenetic location: 17q11.2.
Variant type: single nucleotide variant.
Coding change: c.7905T>A on transcript NM_001042492.3 (MANE Select); coding-DNA position 7905, T replaced by A.
Protein change: p.Asp2635Glu; replaces aspartic acid 2635 with glutamic acid.
Molecular consequence: missense variant.
Genome position (GRCh38, 1-based): chr17:31,357,304, T>A. VCF-style: chr17-31357304-T-A. GRCh37 (hg19) VCF-style: chr17-29684322-T-A.
Other names: c.7842T>A, p.Asp2614Glu (NM_000267.4); short protein forms D2635E, D2614E.
Identifiers: ClinVar variation 2106472 (VCV002106472.4), dbSNP rs2151583260, ClinGen allele CA399203429.

ClinVar aggregate classification (germline): Uncertain significance (1 of 4 stars; one submission).

Conditions:
Neurofibromatosis, type 1 (NF1). Also called: Peripheral type neurofibromatosis; NEUROFIBROMATOSIS, TYPE I, SOMATIC; VON RECKLINGHAUSEN DISEASE; Neurofibromatosis, type I. Identifiers: Orphanet 636, MedGen C0027831, MONDO:0018975, OMIM 162200. Disease mechanism: loss of function.

Submission:

Labcorp Genetics (formerly Invitae), Labcorp
Classification: Uncertain significance for Neurofibromatosis, type 1. Last evaluated: 2022-03-11. Review status: criteria provided, single submitter. Criteria: Invitae Variant Classification Sherloc (09022015). Collection method: clinical testing. Allele origin: germline.
Comment: This sequence change replaces aspartic acid, which is acidic and polar, with glutamic acid, which is acidic and polar, at codon 2614 of the NF1 protein (p.Asp2614Glu). Advanced modeling of protein sequence and biophysical properties (such as structural, functional, and spatial information, amino acid conservation, physicochemical variation, residue mobility, and thermodynamic stability) performed at Invitae indicates that this missense variant is not expected to disrupt NF1 protein function. This variant is not present in population databases (gnomAD no frequency). This variant has not been reported in the literature in individuals affected with NF1-related conditions. In summary, the available evidence is currently insufficient to determine the role of this variant in disease. Therefore, it has been classified as a Variant of Uncertain Significance.